The following is an entry in ClinVar:

ClinVar aggregate classification (germline): Uncertain significance. Review status: criteria provided, multiple submitters, no conflicts (2 of 4 stars). 2 submissions from 2 submitters: Uncertain significance (2). Last evaluated 2025-05-02.

Conditions:
Hereditary nonpolyposis colorectal neoplasms. Identifiers: MedGen C0009405, MeSH D003123.
Hereditary cancer-predisposing syndrome. Also called: Tumor predisposition; Hereditary neoplastic syndrome; Neoplastic Syndromes, Hereditary; Hereditary Cancer Syndrome. Identifiers: Orphanet 140162, MedGen C0027672, MeSH D009386, MONDO:0015356.

Submissions (2):

Labcorp Genetics (formerly Invitae), Labcorp
Classification: Uncertain significance for Hereditary nonpolyposis colorectal neoplasms. Last evaluated: 2025-05-02. Review status: criteria provided, single submitter. Criteria: Invitae Variant Classification Sherloc (09022015). Collection method: clinical testing. Allele origin: germline.
Comment: This sequence change replaces aspartic acid, which is acidic and polar, with alanine, which is neutral and non-polar, at codon 379 of the PMS2 protein (p.Asp379Ala). This variant is not present in population databases (gnomAD no frequency). This variant has not been reported in the literature in individuals affected with PMS2-related conditions. ClinVar contains an entry for this variant (Variation ID: 818413). Invitae Evidence Modeling incorporating data from in vitro experimental studies (internal data) indicates that this missense variant is not expected to disrupt PMS2 function with a negative predictive value of 95%. In summary, the available evidence is currently insufficient to determine the role of this variant in disease. Therefore, it has been classified as a Variant of Uncertain Significance.

Ambry Genetics
Classification: Uncertain significance for Hereditary cancer-predisposing syndrome. Last evaluated: 2019-02-01. Review status: criteria provided, single submitter. Criteria: Ambry Variant Classification Scheme 2023. Collection method: clinical testing. Allele origin: germline.
Comment: The p.D379A variant (also known as c.1136A>C), located in coding exon 10 of the PMS2 gene, results from an A to C substitution at nucleotide position 1136. The aspartic acid at codon 379 is replaced by alanine, an amino acid with dissimilar properties. This amino acid position is not well conserved in available vertebrate species. In addition, the in silico prediction for this alteration is inconclusive. Since supporting evidence is limited at this time, the clinical significance of this alteration remains unclear.

NM_000535.7(PMS2):c.1136A>C (p.Asp379Ala)

Gene: PMS2 (PMS1 homolog 2, mismatch repair system component; minus strand). Cytogenetic location: 7p22.1.
Variant type: single nucleotide variant.
Coding change: c.1136A>C on transcript NM_000535.7 (MANE Select); coding-DNA position 1136, A replaced by C.
Protein change: p.Asp379Ala; replaces aspartic acid 379 with alanine.
Molecular consequence: missense variant. On other transcripts: non-coding transcript variant (1), intron variant (2).
Genome position (GRCh38, 1-based): chr7:5,989,808, T>G on the plus strand (A>C on the coding strand, the complement: PMS2 is on the minus strand). VCF-style: chr7-5989808-T-G. GRCh37 (hg19) VCF-style: chr7-6029439-T-G.
Other names: c.731A>C, p.Asp244Ala (NM_001322003.2, NM_001322004.2, NM_001322005.2 and 1 more transcripts); c.818A>C, p.Asp273Ala (NM_001322007.2, NM_001322008.2); c.203A>C, p.Asp68Ala (NM_001322011.2, NM_001322012.2); c.563A>C, p.Asp188Ala (NM_001322013.2); c.1136A>C, p.Asp379Ala (NM_001322014.2); c.827A>C, p.Asp276Ala (NM_001322015.2); c.583+2165A>C (NM_001322010.2); c.988+2165A>C (NM_001322006.2); short protein forms D244A, D68A, D273A, D188A, D276A, D379A.
Identifiers: ClinVar variation 818413 (VCV000818413.12), dbSNP rs536031711, ClinGen allele CA366742735.